The following is an entry in ClinVar:

NM_000141.5(FGFR2):c.644G>A (p.Ser215Asn)

Gene: FGFR2 (fibroblast growth factor receptor 2; minus strand). Cytogenetic location: 10q26.13.
Variant type: single nucleotide variant.
Coding change: c.644G>A on transcript NM_000141.5 (MANE Select); coding-DNA position 644, G replaced by A.
Protein change: p.Ser215Asn; replaces serine 215 with asparagine.
Molecular consequence: missense variant. On other transcripts: non-coding transcript variant (1).
Genome position (GRCh38, 1-based): chr10:121,538,696, C>T on the plus strand (G>A on the coding strand, the complement: FGFR2 is on the minus strand). VCF-style: chr10-121538696-C-T. GRCh37 (hg19) VCF-style: chr10-123298210-C-T.
Other names: c.644G>A, p.Ser215Asn (NM_001144913.1, NM_001144914.1, NM_001144917.2 and 2 more transcripts); c.377G>A, p.Ser126Asn (NM_001144915.2, NM_001144919.2, NM_023029.3); c.299G>A, p.Ser100Asn (NM_001144916.2, NM_001144918.2); short protein forms S100N, S126N, S215N.
Identifiers: ClinVar variation 3343441 (VCV003343441.1).
Genomic context (GRCh38, chr10:121,538,696, plus strand): 5'-TTCTCCACTACACAGGTATAATTTCCCTTGTCAGATGGGACCACACTTTCCATAATGAGG[C>T]TCCAGTGCTGGTTTCGTACCTGAAAAGATCAAAGCAAAGGCGGTTATTTAACAATCCTAG-3'
Protein context (NP_000132.3, residues 205-225): GGYKVRNQHW[Ser215Asn]LIMESVVPSD

ClinVar aggregate classification (germline): Uncertain significance (1 of 4 stars; one submission).

Submission:

GeneDx
Classification: Uncertain significance. Last evaluated: 2023-05-11. Review status: criteria provided, single submitter. Criteria: GeneDx Variant Classification Process June 2021. Collection method: clinical testing. Allele origin: germline. Affected: yes.
Comment: Not observed at significant frequency in large population cohorts (gnomAD); In silico analysis supports that this missense variant has a deleterious effect on protein structure/function; Has not been previously published as pathogenic or benign to our knowledge